The following is an entry in ClinVar:

NM_001905.4(CTPS1):c.790G>T (p.Asp264Tyr)

Gene: CTPS1 (CTP synthase 1; plus strand). Cytogenetic location: 1p34.2.
Variant type: single nucleotide variant.
Coding change: c.790G>T on transcript NM_001905.4 (MANE Select); coding-DNA position 790, G replaced by T.
Protein change: p.Asp264Tyr; replaces aspartic acid 264 with tyrosine.
Molecular consequence: missense variant. On other transcripts: non-coding transcript variant (1).
Genome position (GRCh38, 1-based): chr1:40,995,986, G>T. VCF-style: chr1-40995986-G-T. GRCh37 (hg19) VCF-style: chr1-41461658-G-T.
Other names: c.322G>T, p.Asp108Tyr (NM_001301237.2); short protein forms D264Y, D108Y.
Identifiers: ClinVar variation 847667 (VCV000847667.10), dbSNP rs1484961348, ClinGen allele CA339904293.

ClinVar aggregate classification (germline): Uncertain significance (1 of 4 stars; one submission).

Conditions:
Combined immunodeficiency due to CTPS1 deficiency. Also called: Immunodeficiency 24; Severe combined immunodeficiency due to CTPS1 deficiency. Identifiers: Orphanet 420573, MedGen C4014617, MONDO:0014391, OMIM 615897.

Allele frequency attached by ClinVar (database versions not stated): gnomAD exomes below 0.00001; TOPMed below 0.00001; gnomAD 0.00001.
gnomAD v4.1: 20 of 1,614,074 alleles (0.0012%); highest among the groups gnomAD compares: Non-Finnish European, 0.0016%; no homozygotes.

Submission:

Labcorp Genetics (formerly Invitae), Labcorp
Classification: Uncertain significance for Combined immunodeficiency due to CTPS1 deficiency. Last evaluated: 2024-10-16. Review status: criteria provided, single submitter. Criteria: Invitae Variant Classification Sherloc (09022015). Collection method: clinical testing. Allele origin: germline.
Comment: This sequence change replaces aspartic acid, which is acidic and polar, with tyrosine, which is neutral and polar, at codon 264 of the CTPS1 protein (p.Asp264Tyr). This variant is present in population databases (no rsID available, gnomAD 0.0009%). This variant has not been reported in the literature in individuals affected with CTPS1-related conditions. ClinVar contains an entry for this variant (Variation ID: 847667). An algorithm developed to predict the effect of missense changes on protein structure and function (PolyPhen-2) suggests that this variant is likely to be tolerated. In summary, the available evidence is currently insufficient to determine the role of this variant in disease. Therefore, it has been classified as a Variant of Uncertain Significance.